The following is an entry in ClinVar:

ClinVar aggregate classification (germline): Uncertain significance (1 of 4 stars; one submission).

gnomAD v4.1: 1 of 1,612,948 alleles (0.000062%); highest among the groups gnomAD compares: Non-Finnish European, 0.000085%; no homozygotes.

Submission:

CeGaT Center for Human Genetics Tuebingen
Classification: Uncertain significance. Last evaluated: 2026-08-01. Review status: criteria provided, single submitter. Criteria: CeGaT Center For Human Genetics Tuebingen Variant Classification Criteria Version 2. Collection method: clinical testing. Allele origin: germline. Affected: yes. Observed: 1 variant allele.
Comment: ZFYVE26: PM2, BP4

NM_015346.4(ZFYVE26):c.5419C>T (p.His1807Tyr)

Gene: ZFYVE26 (zinc finger FYVE-type containing 26; minus strand). Cytogenetic location: 14q24.1.
Variant type: single nucleotide variant.
Coding change: c.5419C>T on transcript NM_015346.4 (MANE Select); coding-DNA position 5419, C replaced by T.
Protein change: p.His1807Tyr; replaces histidine 1807 with tyrosine.
Molecular consequence: missense variant.
Genome position (GRCh38, 1-based): chr14:67,772,112, G>A on the plus strand (C>T on the coding strand, the complement: ZFYVE26 is on the minus strand). VCF-style: chr14-67772112-G-A. GRCh37 (hg19) VCF-style: chr14-68238829-G-A.
Other names: short protein forms H1807Y.
Identifiers: ClinVar variation 5039671 (VCV005039671.1).